The following is an entry in ClinVar:

NM_020297.4(ABCC9):c.1879C>G (p.Pro627Ala)

Gene: ABCC9 (ATP binding cassette subfamily C member 9; minus strand). Cytogenetic location: 12p12.1.
Variant type: single nucleotide variant.
Coding change: c.1879C>G on transcript NM_020297.4 (MANE Select); coding-DNA position 1879, C replaced by G.
Protein change: p.Pro627Ala; replaces proline 627 with alanine.
Molecular consequence: missense variant.
Genome position (GRCh38, 1-based): chr12:21,887,858, G>C on the plus strand (C>G on the coding strand, the complement: ABCC9 is on the minus strand). VCF-style: chr12-21887858-G-C. GRCh37 (hg19) VCF-style: chr12-22040792-G-C.
Other names: c.1879C>G, p.Pro627Ala (NM_001377273.1, NM_005691.4); c.1015C>G, p.Pro339Ala (NM_001377274.1); short protein forms P627A, P339A.
Identifiers: ClinVar variation 464656 (VCV000464656.12), dbSNP rs367770980, ClinGen allele CA6481568.

ClinVar aggregate classification (germline): Uncertain significance. Review status: criteria provided, multiple submitters, no conflicts (2 of 4 stars). 3 submissions from 3 submitters: Uncertain significance (3). Last evaluated 2026-01-10.

Conditions:
Cardiovascular phenotype. Identifiers: MedGen CN230736.
Dilated cardiomyopathy 1O (CMD1O). Also called: CARDIOMYOPATHY, DILATED, WITH VENTRICULAR TACHYCARDIA. Identifiers: Orphanet 154, MedGen C1837839, MONDO:0012062, OMIM 608569.

Allele frequency attached by ClinVar (database versions not stated): ExAC 0.00001; TOPMed 0.00001; gnomAD 0.00002; ESP Exome Variant Server 0.00008.
gnomAD v4.1: 4 of 1,613,190 alleles (0.00025%); highest among the groups gnomAD compares: African/African-American, 0.004%; no homozygotes.

Submissions (3):

Women's Health and Genetics/Laboratory Corporation of America, LabCorp
Classification: Uncertain significance. Last evaluated: 2026-01-10. Review status: criteria provided, single submitter. Criteria: LabCorp Variant Classification Summary - May 2015. Collection method: clinical testing. Allele origin: germline.

Labcorp Genetics (formerly Invitae), Labcorp
Classification: Uncertain significance for Dilated cardiomyopathy 1O. Last evaluated: 2025-12-15. Review status: criteria provided, single submitter. Criteria: Invitae Variant Classification Sherloc (09022015). Collection method: clinical testing. Allele origin: germline.
Comment: This sequence change replaces proline, which is neutral and non-polar, with alanine, which is neutral and non-polar, at codon 627 of the ABCC9 protein (p.Pro627Ala). This variant is present in population databases (rs367770980, gnomAD 0.007%). This variant has not been reported in the literature in individuals affected with ABCC9-related conditions. ClinVar contains an entry for this variant (Variation ID: 464656). Invitae Evidence Modeling of protein sequence and biophysical properties (such as structural, functional, and spatial information, amino acid conservation, physicochemical variation, residue mobility, and thermodynamic stability) indicates that this missense variant is not expected to disrupt ABCC9 protein function with a negative predictive value of 95%. In summary, the available evidence is currently insufficient to determine the role of this variant in disease. Therefore, it has been classified as a Variant of Uncertain Significance.

Ambry Genetics
Classification: Uncertain significance for Cardiovascular phenotype. Last evaluated: 2020-01-29. Review status: criteria provided, single submitter. Criteria: Ambry Variant Classification Scheme 2023. Collection method: clinical testing. Allele origin: germline.
Comment: The p.P627A variant (also known as c.1879C>G), located in coding exon 13 of the ABCC9 gene, results from a C to G substitution at nucleotide position 1879. The proline at codon 627 is replaced by alanine, an amino acid with highly similar properties. This amino acid position is well conserved in available vertebrate species. In addition, this alteration is predicted to be tolerated by in silico analysis. Since supporting evidence is limited at this time, the clinical significance of this alteration remains unclear.